The following is an entry in ClinVar:

NM_001876.4(CPT1A):c.1436C>T (p.Pro479Leu)

Gene: CPT1A (carnitine palmitoyltransferase 1A; minus strand). Cytogenetic location: 11q13.3.
Variant type: single nucleotide variant.
Coding change: c.1436C>T on transcript NM_001876.4 (MANE Select); coding-DNA position 1436, C replaced by T.
Protein change: p.Pro479Leu; replaces proline 479 with leucine.
Molecular consequence: missense variant.
Genome position (GRCh38, 1-based): chr11:68,780,662, G>A on the plus strand (C>T on the coding strand, the complement: CPT1A is on the minus strand). VCF-style: chr11-68780662-G-A. GRCh37 (hg19) VCF-style: chr11-68548130-G-A.
Other names: CPT1A, PRO479LEU (rs80356779); c.1436C>T, p.Pro479Leu (NM_001031847.3); short protein forms P479L.
Identifiers: ClinVar variation 65644 (VCV000065644.41), dbSNP rs80356779, ClinGen allele CA221853.
Genomic context (GRCh38, chr11:68,780,662, plus strand): 5'-GCAACTTCCACATTCAAGTGAAAAGTGTGAAAACTCACCTCCCAAAGGTGGGCCACGATC[G>A]GCGCATCTGCCCAGGAGTGTTCAGCGTTGAGGCCCATCTTCCCGTTTTTGAAGACAACAA-3'
Protein context (NP_001867.2, residues 469-489): LNAEHSWADA[Pro479Leu]IVAHLWEYVM

ClinVar aggregate classification (germline): Pathogenic/Likely pathogenic. Review status: criteria provided, multiple submitters, no conflicts (2 of 4 stars). 14 submissions from 13 submitters: Pathogenic (9); Likely pathogenic (1). 4 of the submissions do not count toward it. Last evaluated 2026-09-16.

Conditions:
CPT1A-related disorder. Also called: CPT1A-related condition.
Inborn genetic diseases. Identifiers: MedGen C0950123, MeSH D030342.
CPT1A-related disorders.
CPT1A POLYMORPHISM.
CPT1A ARCTIC VARIANT.
Carnitine palmitoyl transferase 1A deficiency. Also called: Carnitine palmitoyltransferase type I deficiency; CPT deficiency, hepatic, type IA; Carnitine palmitoyltransferase 1A deficiency; CPT I DEFICIENCY; CPT DEFICIENCY, HEPATIC, TYPE I. Identifiers: Orphanet 156, MedGen C1829703, MONDO:0009705, OMIM 255120.

Allele frequency attached by ClinVar (database versions not stated): gnomAD 0.00006 and 0.00005; ExAC 0.00002; gnomAD exomes 0.00003 and 0.00001; TOPMed 0.00003.
gnomAD v4.1: 49 of 1,614,156 alleles (0.003%); highest among the groups gnomAD compares: Admixed American, 0.015%; 3 homozygotes.

Submissions 1 to 8 of 14:

PreventionGenetics, part of Exact Sciences
Classification: Pathogenic for CPT1A-related condition. Last evaluated: 2026-09-16. Review status: criteria provided, single submitter. Criteria: ACMG Guidelines, 2015. Collection method: clinical testing. Allele origin: germline.
Comment: The CPT1A c.1436C>T variant is predicted to result in the amino acid substitution p.Pro479Leu. This variant has been reported at a high frequency in Alaskan native and other arctic populations (Greenberg et al. 2009. PubMed ID: 19217814; Clemente et al. 2014. PubMed ID: 25449608). The p.Pro479Leu amino acid substitution has been shown to reduce enzyme activity to ~20% of normal (Brown et al. 2001. PubMed ID: 11441142). Patients with carnitine palmitoyltransferase (CPT) 1A deficiency due to homozygosity for the c.1436C>T variant tend to be clinically unaffected or present with a relatively mild clinical course that primarily includes impaired fasting tolerance and potentially hypoketotic hypoglycemia (Greenberg et al. 2009. PubMed ID: 19217814; Gillingham et al. 2011. PubMed ID: 21763168; Clemente et al. 2014. PubMed ID: 25449608). Affected females have been reported to develop maternal acute fatty liver of pregnancy (AFLP) (Greenberg et al. 2009. PubMed ID: 19217814). This variant has also been associated with increased risk for infant mortality (Greenberg et al. 2009. PubMed ID: 19217814; Gessner et al. 2010. PubMed ID: 20937660). Taken together, we interpret this variant as pathogenic.

CeGaT Center for Human Genetics Tuebingen
Classification: Pathogenic. Last evaluated: 2026-08-01. Review status: criteria provided, single submitter. Criteria: CeGaT Center For Human Genetics Tuebingen Variant Classification Criteria Version 2. Collection method: clinical testing. Allele origin: germline. Affected: yes. Observed: 1 variant allele.
Comment: CPT1A: PM1, PM3, PP4:Moderate, PM2:Supporting, PP1, PP2, PS3:Supporting

Labcorp Genetics (formerly Invitae), Labcorp
Classification: Pathogenic for Carnitine palmitoyl transferase 1A deficiency. Last evaluated: 2026-01-24. Review status: criteria provided, single submitter. Criteria: Invitae Variant Classification Sherloc (09022015). Collection method: clinical testing. Allele origin: germline.
Comment: This sequence change replaces proline, which is neutral and non-polar, with leucine, which is neutral and non-polar, at codon 479 of the CPT1A protein (p.Pro479Leu). This variant is present in population databases (rs80356779, gnomAD 0.006%). This missense change has been observed in individuals with CPT1 deficiency (PMID: 19217814, 20301700, 20696606). It has also been observed to segregate with disease in related individuals. This variant is also known as The Arctic Variant. ClinVar contains an entry for this variant (Variation ID: 65644). Invitae Evidence Modeling of protein sequence and biophysical properties (such as structural, functional, and spatial information, amino acid conservation, physicochemical variation, residue mobility, and thermodynamic stability) has been performed for this missense variant. However, the output from this modeling did not meet the statistical confidence thresholds required to predict the impact of this variant on CPT1A protein function. Experimental studies have shown that this missense change affects CPT1A function (PMID: 11441142). For these reasons, this variant has been classified as Pathogenic.

Natera, Inc.
Classification: Likely pathogenic for Carnitine palmitoyltransferase type I deficiency. Last evaluated: 2025-09-03. Review status: criteria provided, single submitter. Criteria: Natera Variant Classification Schema (03/2026). Collection method: clinical testing. Allele origin: germline.
Comment: The c.1436C>T variant in CPT1A is a missense variant predicted to cause substitution of proline to leucine at amino acid 479. This variant is rare in the general population with a frequency below the threshold expected for the associated phenotype(s). This variant has been observed in one or more individuals affected with the associated recessive disease, as either homozygous or compound heterozygous with a second variant (PMID: 19217814). Functional studies show that this variant may disrupt protein function (PMID: 19217814, 11441142). Computational prediction algorithms indicate this variant is likely to affect gene or protein function. Given the available evidence, this variant is classified as Likely Pathogenic.

Blueprint Genetics
Classification: Pathogenic for CPT1A-related disorders. Last evaluated: 2024-11-27. Review status: criteria provided, single submitter. Criteria: ACMG Guidelines, 2015. Collection method: clinical testing. Allele origin: germline. Affected: yes. Observed: 5 variant alleles.

Women's Health and Genetics/Laboratory Corporation of America, LabCorp
Classification: Pathogenic for Carnitine palmitoyl transferase 1A deficiency. Last evaluated: 2024-08-08. Review status: criteria provided, single submitter. Criteria: LabCorp Variant Classification Summary - May 2015. Collection method: clinical testing. Allele origin: germline.
Comment: Variant summary: CPT1A c.1436C>T (p.Pro479Leu) results in a non-conservative amino acid change located in the Choline/carnitine acyltransferase domain (IPR039551) of the encoded protein sequence. Five of five in-silico tools predict a damaging effect of the variant on protein function. The variant allele was found at a frequency of 3.2e-05 in 251490 control chromosomes (gnomAD), however the variant was reported at a much higher frequency in certain Northern populations (e.g. in the Inuit), and it was reported to be the major allele in Greenlanders, with a frequency of 0.73 (Rajakumar_2009), which suggests that the variant is a benign polymorphism. On the other hand, a clinical trial demonstrated that children homozygous for P479L had impaired fasting tolerance, resulting in hypoketotic hypoglycemia in response to prolonged fasting, though not all subjects developed hypoglycemia at the end of the testing period (Gillingham_2011). In addition, the variant was reported in homozygous infants affected with neonatal hypoglycemia, however, not all homozygotes developed clinical symptoms (Greenberg_2009). Additionally, a large cohort of Inuit newborns, found that neonatal hypoglycemia (NH) was reported in 22% of P479L homozygotes, and 19.8% of P479L heterozygotes, while only in 4.8% of non-carrier newborns (Collins_2020). Some studies also proposed that the variant might be associated with elevated infant mortality rates in populations where the variant is frequent (Greenberg_2009, Collins_2011, Gessner_2016). These data indicate that the variant is likely to be associated with an elevated risk of disease. Publications also reported experimental evidence evaluating an impact on protein function, and demonstrated that the variant resulted in partially decreased enzymatic activity, with a significant decrease in sensitivity to inhibition by malonyl-CoA, which might somewhat ameliorate the decreased catalytic capacity (Brown_2001); in addition, fibroblasts from several homozygous individuals demonstrated reduced enzyme activity (e.g. Brown_2001, Greenberg_2009). The following publications have been ascertained in the context of this evaluation (PMID: 19217814, 11441142, 20696606, 21763168, 32088118, 19181627, 32561900, 26820065, 34131458). ClinVar contains an entry for this variant (Variation ID: 65644). Based on the evidence outlined above, the variant seems to cause a partial loss of enzyme activity, resulting in a hypomorphic allele with reduced penetrance, and therefore was classified as pathogenic.

GeneDx
Classification: Pathogenic. Last evaluated: 2024-04-08. Review status: criteria provided, single submitter. Criteria: GeneDx Variant Classification Process June 2021. Collection method: clinical testing. Allele origin: germline. Affected: yes.
Comment: Common variant in individuals with CPT1A deficiency from the Inuit and Alaska Native populations (PMID: 20301700); High frequency of P479L homozygotes in certain populations indicates that under normal circumstances individuals with this genotype are rarely symptomatic. However, children homozygous for P479L have shown abnormal metabolic response to prolonged fasting and may have an increased risk for infant mortality (PMID: 21763168, 20696606, 23090344); Expression of P479L in COS cells found that it is associated with reduced CPT1A enzyme activity compared to wild type (PMID: 11441142); Not observed at a significant frequency in large population cohorts (gnomAD); This variant is associated with the following publications: (PMID: 26010953, 23757202, 20696606, 27341449, 35944424, 28125087, 25449608, 22045927, 19217814, 20843525, 19181627, 23090344, 27127449, 26820065, 21763168, 28611031, 30996616, 32561900, 34295859, 20301700, 11441142)

Revvity Omics, Revvity
Classification: Pathogenic for Carnitine palmitoyl transferase 1A deficiency. Last evaluated: 2022-12-28. Review status: criteria provided, single submitter. Criteria: ACMG Guidelines, 2015. Collection method: clinical testing. Allele origin: germline.